The following is an entry in ClinVar:

NM_000548.5(TSC2):c.599+2T>C

Gene: TSC2 (TSC complex subunit 2; plus strand). Cytogenetic location: 16p13.3.
Variant type: single nucleotide variant.
Coding change: c.599+2T>C on transcript NM_000548.5 (MANE Select); the canonical splice donor site of the intron after coding-DNA position 599, T replaced by C.
Molecular consequence: splice donor variant. On other transcripts: intron variant (6).
Genome position (GRCh38, 1-based): chr16:2,055,521, T>C. VCF-style: chr16-2055521-T-C. GRCh37 (hg19) VCF-style: chr16-2105522-T-C.
Other names: c.-1049+2T>C (NM_001406693.1); c.689+2T>C (NM_001406667.1, NM_001406668.1); c.-218+2T>C (NM_001406680.1, NM_001406683.1, NM_001406687.1); c.-833+2T>C (NM_001406689.1, NM_001406690.1, NM_001406692.1 and 2 more transcripts); c.-1009+2T>C (NM_001406698.1); c.599+2T>C (NM_001114382.3, NM_001406663.1, NM_001406664.1 and 8 more transcripts); c.-714+2T>C (NM_001406694.1, NM_001406695.1); c.-821+2T>C (NM_001406696.1); and 6 more.
Identifiers: ClinVar variation 1750906 (VCV001750906.2), dbSNP rs45484992, ClinGen allele CA394309953.

ClinVar aggregate classification (germline): Likely pathogenic (1 of 4 stars; one submission).

Conditions:
Hereditary cancer-predisposing syndrome. Also called: Hereditary Cancer Syndrome; Hereditary neoplastic syndrome; Neoplastic Syndromes, Hereditary; Tumor predisposition. Identifiers: Orphanet 140162, MedGen C0027672, MeSH D009386, MONDO:0015356.

Submission:

Ambry Genetics
Classification: Likely pathogenic for Hereditary cancer-predisposing syndrome. Last evaluated: 2017-08-17. Review status: criteria provided, single submitter. Criteria: Ambry Variant Classification Scheme 2023. Collection method: clinical testing. Allele origin: germline.
Comment: The c.599+2T>C intronic variant results from a T to C substitution two nucleotides after coding exon 5 in the TSC2 gene. This nucleotide position is highly conserved in available vertebrate species. Using the BDGP and ESEfinder splice site prediction tools, this alteration is predicted to abolish the native splice donor site; however, direct evidence is unavailable. Alterations that disrupt the canonical splice site are expected to cause aberrant splicing, resulting in an abnormal protein or a transcript that is subject to nonsense-mediated mRNA decay. As such, this alteration is classified as likely pathogenic.